The following is an entry in ClinVar:

ClinVar aggregate classification (germline): Uncertain significance. Review status: criteria provided, multiple submitters, no conflicts (2 of 4 stars). 2 submissions from 2 submitters: Uncertain significance (2). Last evaluated 2025-08-10.

Conditions:
Inborn genetic diseases. Identifiers: MedGen C0950123, MeSH D030342.
Alkaptonuria (AKU). Also called: Alcaptonuria; Alkaptonuric ochronosis; HOMOGENTISIC ACID OXIDASE DEFICIENCY; Homogentisic acidura. Identifiers: Orphanet 56, MedGen C0002066, MONDO:0008753, OMIM 203500.

Allele frequency attached by ClinVar (database versions not stated): TOPMed below 0.00001; gnomAD 0.00001; ExAC 0.00002; gnomAD exomes 0.00002.

Submissions (2):

Ambry Genetics
Classification: Uncertain significance for Inborn genetic diseases. Last evaluated: 2025-08-10. Review status: criteria provided, single submitter. Criteria: Ambry Variant Classification Scheme 2023. Collection method: clinical testing. Allele origin: germline.

Labcorp Genetics (formerly Invitae), Labcorp
Classification: Uncertain significance for Alkaptonuria. Last evaluated: 2022-08-16. Review status: criteria provided, single submitter. Criteria: Invitae Variant Classification Sherloc (09022015). Collection method: clinical testing. Allele origin: germline.
Comment: This sequence change replaces glycine, which is neutral and non-polar, with arginine, which is basic and polar, at codon 323 of the HGD protein (p.Gly323Arg). This variant is present in population databases (rs762564483, gnomAD 0.003%). This variant has not been reported in the literature in individuals affected with HGD-related conditions. ClinVar contains an entry for this variant (Variation ID: 1410610). Algorithms developed to predict the effect of missense changes on protein structure and function are either unavailable or do not agree on the potential impact of this missense change (SIFT: "Deleterious"; PolyPhen-2: "Possibly Damaging"; Align-GVGD: "Class C15"). In summary, the available evidence is currently insufficient to determine the role of this variant in disease. Therefore, it has been classified as a Variant of Uncertain Significance.

NM_000187.4(HGD):c.967G>A (p.Gly323Arg)

Gene: HGD (homogentisate 1,2-dioxygenase; minus strand). Cytogenetic location: 3q13.33.
Variant type: single nucleotide variant.
Coding change: c.967G>A on transcript NM_000187.4 (MANE Select); coding-DNA position 967, G replaced by A.
Protein change: p.Gly323Arg; replaces glycine 323 with arginine.
Molecular consequence: missense variant.
Genome position (GRCh38, 1-based): chr3:120,638,494, C>T on the plus strand (G>A on the coding strand, the complement: HGD is on the minus strand). VCF-style: chr3-120638494-C-T. GRCh37 (hg19) VCF-style: chr3-120357341-C-T.
Other names: c.967G>A (NM_000187.3); short protein forms G323R.
Identifiers: ClinVar variation 1410610 (VCV001410610.5), dbSNP rs762564483, ClinGen allele CA2560007.